The following is an entry in ClinVar:

ClinVar aggregate classification (germline): Conflicting classifications of pathogenicity. Review status: criteria provided, conflicting classifications (1 of 4 stars). 3 submissions from 3 submitters: Uncertain significance (2); Likely benign (1). Last evaluated 2026-01-05.

Conditions:
Inborn genetic diseases. Identifiers: MedGen C0950123, MeSH D030342.

Submissions (3):

Labcorp Genetics (formerly Invitae), Labcorp
Classification: Uncertain significance. Last evaluated: 2026-01-05. Review status: criteria provided, single submitter. Criteria: Invitae Variant Classification Sherloc (09022015). Collection method: clinical testing. Allele origin: germline.
Comment: This variant, c.988_993del, is a complex sequence change that results in the deletion of 2 amino acid(s) in the KMT2B protein (p.Gly330_Gln331del). This variant is present in population databases (rs756646242, gnomAD 0.03%). This variant has not been reported in the literature in individuals affected with KMT2B-related conditions. Experimental studies and prediction algorithms are not available or were not evaluated, and the functional significance of this variant is currently unknown. In summary, the available evidence is currently insufficient to determine the role of this variant in disease. Therefore, it has been classified as a Variant of Uncertain Significance.

CeGaT Center for Human Genetics Tuebingen
Classification: Uncertain significance. Last evaluated: 2024-12-01. Review status: criteria provided, single submitter. Criteria: CeGaT Center For Human Genetics Tuebingen Variant Classification Criteria Version 2. Collection method: clinical testing. Allele origin: germline. Affected: yes. Observed: 3 variant alleles.
Comment: KMT2B: PM4

Ambry Genetics
Classification: Likely benign for Inborn genetic diseases. Last evaluated: 2024-05-03. Review status: criteria provided, single submitter. Criteria: Ambry Variant Classification Scheme 2023. Collection method: clinical testing. Allele origin: germline.

NM_014727.3(KMT2B):c.976GGTCAA[2] (p.326GQ[2])

Gene: KMT2B (lysine methyltransferase 2B; plus strand). Cytogenetic location: 19q13.12.
Variant type: Microsatellite.
Coding change: c.976GGTCAA[2] on transcript NM_014727.3 (MANE Select); two copies in a row of the 6-base unit GGTCAA starting at c.976; the reference has three copies in a row; one copy, 6 bases deleted.
Protein change: p.326GQ[2].
Molecular consequence: inframe deletion.
Genome position (GRCh38, 1-based): chr19:35,720,335-35,720,340, GGTCAA deleted; deleting any 6 consecutive bases within chr19:35,720,322-35,720,340 gives the same sequence; the position shown is the placement nearest the transcript's 3' end. VCF-style (leftmost placement, unchanged base first): chr19-35720321-CAGGTCA-C. GRCh37 (hg19) VCF-style: chr19-36211223-CAGGTCA-C.
Other names: c.988_993delGGTCAA (NM_014727.1).
Identifiers: ClinVar variation 1491524 (VCV001491524.30), dbSNP rs756646242, ClinGen allele CA9384154.